The following is an entry in ClinVar:

NM_001563.4(IMPG1):c.1247A>G (p.Glu416Gly)

Gene: IMPG1 (interphotoreceptor matrix proteoglycan 1; minus strand). Cytogenetic location: 6q14.1.
Variant type: single nucleotide variant.
Coding change: c.1247A>G on transcript NM_001563.4 (MANE Select); coding-DNA position 1247, A replaced by G.
Protein change: p.Glu416Gly; replaces glutamic acid 416 with glycine.
Molecular consequence: missense variant.
Genome position (GRCh38, 1-based): chr6:76,002,962, T>C on the plus strand (A>G on the coding strand, the complement: IMPG1 is on the minus strand). VCF-style: chr6-76002962-T-C. GRCh37 (hg19) VCF-style: chr6-76712679-T-C.
Other names: c.1013A>G, p.Glu338Gly (NM_001282368.2); short protein forms E338G, E416G.
Identifiers: ClinVar variation 2115326 (VCV002115326.4), dbSNP rs2481468683, ClinGen allele CA364770268.
Genomic context (GRCh38, chr6:76,002,962, plus strand): 5'-GTGAGGGGAAACTTACCAGGTAGACCATGCTCTGCTCCGTCCACTGTCTCAAGCTGGGGT[T>C]CAACAGGAGGAAGTTCTGGACTCAAAGTAGCATCCTGAAGAATGAATTTTGCAAGACAGA-3'
Protein context (NP_001554.2, residues 406-426): ATLSPELPPV[Glu416Gly]PQLETVDGAE

ClinVar aggregate classification (germline): Uncertain significance (1 of 4 stars; one submission).

Submission:

Labcorp Genetics (formerly Invitae), Labcorp
Classification: Uncertain significance. Last evaluated: 2024-10-26. Review status: criteria provided, single submitter. Criteria: Invitae Variant Classification Sherloc (09022015). Collection method: clinical testing. Allele origin: germline.
Comment: This sequence change replaces glutamic acid, which is acidic and polar, with glycine, which is neutral and non-polar, at codon 416 of the IMPG1 protein (p.Glu416Gly). This variant is not present in population databases (gnomAD no frequency). This variant has not been reported in the literature in individuals affected with IMPG1-related conditions. ClinVar contains an entry for this variant (Variation ID: 2115326). An algorithm developed to predict the effect of missense changes on protein structure and function (PolyPhen-2) suggests that this variant is likely to be tolerated. In summary, the available evidence is currently insufficient to determine the role of this variant in disease. Therefore, it has been classified as a Variant of Uncertain Significance.